The following is an entry in ClinVar:

NM_000018.4(ACADVL):c.26G>C (p.Ser9Thr)

Genes: ACADVL (acyl-CoA dehydrogenase very long chain; plus strand), DLG4 (discs large MAGUK scaffold protein 4; minus strand). Cytogenetic location: 17p13.1.
Variant type: single nucleotide variant.
Coding change: c.26G>C on transcript NM_000018.4 (MANE Select); coding-DNA position 26, G replaced by C.
Protein change: p.Ser9Thr; replaces serine 9 with threonine.
Molecular consequence: missense variant. On other transcripts: 5 prime UTR variant (2), non-coding transcript variant (1), intron variant (1).
Genome position (GRCh38, 1-based): chr17:7,220,010, G>C. VCF-style: chr17-7220010-G-C. GRCh37 (hg19) VCF-style: chr17-7123329-G-C.
Other names: c.-1161C>G (NM_001321074.1); c.26G>C, p.Ser9Thr (NM_001033859.3); c.-278G>C (NM_001270448.2); c.132-112G>C (NM_001270447.2); short protein forms S9T.
Identifiers: ClinVar variation 2163945 (VCV002163945.1), dbSNP rs770590027, ClinGen allele CA287433597.

ClinVar aggregate classification (germline): Uncertain significance (1 of 4 stars; one submission).

Conditions:
Very long chain acyl-CoA dehydrogenase deficiency (ACADVLD). Also called: VLCAD Deficiency; Very Long-Chain Acyl-Coenzyme A Dehydrogenase Deficiency. Identifiers: Orphanet 26793, MedGen C3887523, MONDO:0008723, OMIM 201475.

Allele frequency attached by ClinVar (database versions not stated): gnomAD exomes 0.00002.
gnomAD v4.1: 24 of 1,604,752 alleles (0.0015%); highest among the groups gnomAD compares: Non-Finnish European, 0.002%; no homozygotes.

Submission:

Labcorp Genetics (formerly Invitae), Labcorp
Classification: Uncertain significance for Very long chain acyl-CoA dehydrogenase deficiency. Last evaluated: 2022-06-22. Review status: criteria provided, single submitter. Criteria: Invitae Variant Classification Sherloc (09022015). Collection method: clinical testing. Allele origin: germline.
Comment: This sequence change replaces serine, which is neutral and polar, with threonine, which is neutral and polar, at codon 9 of the ACADVL protein (p.Ser9Thr). This variant is not present in population databases (gnomAD no frequency). This variant has not been reported in the literature in individuals affected with ACADVL-related conditions. Algorithms developed to predict the effect of missense changes on protein structure and function are either unavailable or do not agree on the potential impact of this missense change (SIFT: "Tolerated"; PolyPhen-2: "Not Available"; Align-GVGD: "Class C0"). In summary, the available evidence is currently insufficient to determine the role of this variant in disease. Therefore, it has been classified as a Variant of Uncertain Significance.